The following is an entry in ClinVar:

ClinVar aggregate classification (germline): Benign. Review status: criteria provided, multiple submitters, no conflicts (2 of 4 stars). 2 submissions from 2 submitters: Benign (2). Last evaluated 2018-06-18.

Allele frequency attached by ClinVar (database versions not stated): TOPMed 0.04206; 1000 Genomes Project 30x 0.04450; gnomAD 0.04632; 1000 Genomes Project 0.04633.
gnomAD v4.1: 70,193 of 1,129,000 alleles (6.2%); highest among the groups gnomAD compares: South Asian, 10%; 2,614 homozygotes.

Submissions (2):

GeneDx
Classification: Benign. Last evaluated: 2018-06-18. Review status: criteria provided, single submitter. Criteria: GeneDx Variant Classification (06012015). Collection method: clinical testing. Allele origin: germline. Affected: yes.
Comment: This variant is considered likely benign or benign based on one or more of the following criteria: it is a conservative change, it occurs at a poorly conserved position in the protein, it is predicted to be benign by multiple in silico algorithms, and/or has population frequency not consistent with disease.

Breakthrough Genomics
Classification: Benign. Review status: criteria provided, single submitter. Criteria: ACMG Guidelines, 2015. Collection method: not provided. Allele origin: germline. Inheritance: Autosomal dominant inheritance. Affected: yes.

NM_003072.5(SMARCA4):c.2124-120C>T

Gene: SMARCA4 (SWI/SNF related BAF chromatin remodeling complex subunit ATPase 4; plus strand). Cytogenetic location: 19p13.2.
Variant type: single nucleotide variant.
Coding change: c.2124-120C>T on transcript NM_003072.5 (MANE Select); 120 bases into the intron before coding-DNA position 2124, C replaced by T.
Molecular consequence: intron variant.
Genome position (GRCh38, 1-based): chr19:11,010,261, C>T. VCF-style: chr19-11010261-C-T. GRCh37 (hg19) VCF-style: chr19-11120937-C-T.
Other names: c.2124-120C>T (NM_001128844.3, NM_001128849.3, NM_001128847.4 and 5 more transcripts).
Identifiers: ClinVar variation 676514 (VCV000676514.2), dbSNP rs17616318, ClinGen allele CA305263270.